The following is an entry in ClinVar:

NM_000235.4(LIPA):c.539-5C>A

Gene: LIPA (lipase A, lysosomal acid type; minus strand). Cytogenetic location: 10q23.31.
Variant type: single nucleotide variant.
Coding change: c.539-5C>A on transcript NM_000235.4 (MANE Select); 5 bases into the intron before coding-DNA position 539, C replaced by A.
Molecular consequence: intron variant.
Genome position (GRCh38, 1-based): chr10:89,225,233, G>T on the plus strand (C>A on the coding strand, the complement: LIPA is on the minus strand). VCF-style: chr10-89225233-G-T. GRCh37 (hg19) VCF-style: chr10-90984990-G-T.
Other names: c.191-5C>A (NM_001288979.2); c.539-5C>A (NM_001127605.3, NM_000235.3).
Identifiers: ClinVar variation 594443 (VCV000594443.19), dbSNP rs2297472, ClinGen allele CA5593686.

ClinVar aggregate classification (germline): Conflicting classifications of pathogenicity. Review status: criteria provided, conflicting classifications (1 of 4 stars). 5 submissions from 5 submitters: Uncertain significance (1); Likely benign (1). 3 of the submissions do not count toward it. Last evaluated 2025-08-24.

Conditions:
LIPA-related disorder. Also called: LIPA-related condition; LIPA-related disorders.
Wolman disease (WOLD). Also called: Infantile-Onset LAL-D (Wolman Disease); Wolman disease with hypolipoproteinemia and acanthocytosis; LYSOSOMAL ACID LIPASE DEFICIENCY, ACUTE INFANTILE; LYSOSOMAL ACID LIPASE DEFICIENCY, COMPLETE; LIPA DEFICIENCY, COMPLETE; LAL DEFICIENCY, COMPLETE. Identifiers: Orphanet 75233, MedGen C0043208, MONDO:0019148, OMIM 620151.
Lysosomal acid lipase deficiency. Also called: Acid cholesteryl ester hydrolase deficiency, type 2. Identifiers: Orphanet 275761, MedGen C5574740, MONDO:0800449, MONDO:0010204.

Allele frequency attached by ClinVar (database versions not stated): 1000 Genomes Project 30x 0.00016.
gnomAD v4.1: 56 of 1,613,898 alleles (0.0035%); highest among the groups gnomAD compares: Admixed American, 0.088%; 1 homozygote.

Submissions (5):

Labcorp Genetics (formerly Invitae), Labcorp
Classification: Likely benign for Wolman disease. Last evaluated: 2025-08-24. Review status: criteria provided, single submitter. Criteria: Invitae Variant Classification Sherloc (09022015). Collection method: clinical testing. Allele origin: germline.

Eurofins Ntd Llc (ga)
Classification: Uncertain significance. Last evaluated: 2017-10-06. Review status: criteria provided, single submitter. Criteria: EGL Classification Definitions 2015. Collection method: clinical testing. Allele origin: germline. Observed: 1 variant allele, 1 heterozygote.

PreventionGenetics, part of Exact Sciences
Classification: Likely benign for LIPA-related condition. Last evaluated: 2024-08-16. Review status: no assertion criteria provided. Collection method: clinical testing. Allele origin: germline. Not counted in ClinVar's aggregate classification.
Comment: This variant is classified as likely benign based on ACMG/AMP sequence variant interpretation guidelines (Richards et al. 2015 PMID: 25741868, with internal and published modifications).

Natera, Inc.
Classification: Uncertain significance for Lysosomal acid lipase deficiency. Last evaluated: 2020-07-28. Review status: no assertion criteria provided. Collection method: clinical testing. Allele origin: germline. Not counted in ClinVar's aggregate classification.

Elsea Laboratory, Baylor College of Medicine
Classification: Likely benign for Cholesteryl ester storage disease. Last evaluated: 2020-04-01. Review status: no assertion criteria provided. Collection method: clinical testing. Allele origin: germline. Affected: no. Not counted in ClinVar's aggregate classification.